The following is an entry in ClinVar:

ClinVar aggregate classification (germline): Pathogenic (1 of 4 stars; one submission).

Conditions:
Werner syndrome (WRN). Identifiers: Orphanet 902, MedGen C0043119, MONDO:0010196, OMIM 277700.

gnomAD v4.1: 3 of 1,596,854 alleles (0.00019%); no homozygotes.

Submission:

Labcorp Genetics (formerly Invitae), Labcorp
Classification: Pathogenic for Werner syndrome. Last evaluated: 2019-04-12. Review status: criteria provided, single submitter. Criteria: Invitae Variant Classification Sherloc (09022015). Collection method: clinical testing. Allele origin: germline.
Comment: This sequence change creates a premature translational stop signal (p.Lys1080*) in the WRN gene. It is expected to result in an absent or disrupted protein product. This variant is not present in population databases (ExAC no frequency). This variant has not been reported in the literature in individuals with WRN-related conditions. Loss-of-function variants in WRN are known to be pathogenic (PMID: 16673358). For these reasons, this variant has been classified as Pathogenic.

Literature cited by the submitters: PubMed 16673358.

NM_000553.6(WRN):c.3238A>T (p.Lys1080Ter)

Gene: WRN (WRN RecQ like helicase; plus strand). Cytogenetic location: 8p12.
Variant type: single nucleotide variant.
Coding change: c.3238A>T on transcript NM_000553.6 (MANE Select); coding-DNA position 3238, A replaced by T.
Protein change: p.Lys1080Ter; replaces lysine 1080 with a stop codon.
Molecular consequence: nonsense.
Genome position (GRCh38, 1-based): chr8:31,142,630, A>T. VCF-style: chr8-31142630-A-T. GRCh37 (hg19) VCF-style: chr8-31000146-A-T.
Other names: short protein forms K1080*.
Identifiers: ClinVar variation 846517 (VCV000846517.6), dbSNP rs1288018118, ClinGen allele CA370923286.